The following is an entry in ClinVar:

NM_198578.4(LRRK2):c.2882C>T (p.Ser961Leu)

Gene: LRRK2 (leucine rich repeat kinase 2; plus strand). Cytogenetic location: 12q12.
Variant type: single nucleotide variant.
Coding change: c.2882C>T on transcript NM_198578.4 (MANE Select); coding-DNA position 2882, C replaced by T.
Protein change: p.Ser961Leu; replaces serine 961 with leucine.
Molecular consequence: missense variant.
Genome position (GRCh38, 1-based): chr12:40,295,430, C>T. VCF-style: chr12-40295430-C-T. GRCh37 (hg19) VCF-style: chr12-40689232-C-T.
Other names: short protein forms S961L.
Identifiers: ClinVar variation 3291870 (VCV003291870.1).

ClinVar aggregate classification (germline): Uncertain significance (1 of 4 stars; one submission).

Conditions:
Inborn genetic diseases. Identifiers: MedGen C0950123, MeSH D030342.

Submission:

Ambry Genetics
Classification: Uncertain significance for Inborn genetic diseases. Last evaluated: 2024-06-15. Review status: criteria provided, single submitter. Criteria: Ambry Variant Classification Scheme 2023. Collection method: clinical testing. Allele origin: germline.
Comment: The p.S961L variant (also known as c.2882C>T), located in coding exon 23 of the LRRK2 gene, results from a C to T substitution at nucleotide position 2882. The serine at codon 961 is replaced by leucine, an amino acid with dissimilar properties. This amino acid position is conserved. In addition, this alteration is predicted to be tolerated by in silico analysis. Based on the available evidence, the clinical significance of this variant remains unclear.